The following is an entry in ClinVar:

NM_001017962.3(P4HA1):c.1515G>A (p.Val505=)

Gene: P4HA1 (prolyl 4-hydroxylase subunit alpha 1; minus strand). Cytogenetic location: 10q22.1.
Variant type: single nucleotide variant.
Coding change: c.1515G>A on transcript NM_001017962.3 (MANE Select); coding-DNA position 1515, G replaced by A.
Protein change: p.Val505=; no amino-acid change (valine 505 retained).
Molecular consequence: synonymous variant.
Genome position (GRCh38, 1-based): chr10:73,009,826, C>T on the plus strand (G>A on the coding strand, the complement: P4HA1 is on the minus strand). VCF-style: chr10-73009826-C-T. GRCh37 (hg19) VCF-style: chr10-74769584-C-T.
Other names: c.1515G>A, p.Val505= (NM_000917.4, NM_001142595.2); c.1461G>A, p.Val487= (NM_001142596.2).
Identifiers: ClinVar variation 3038839 (VCV003038839.2), dbSNP rs34845894, ClinGen allele CA5551392.

ClinVar aggregate classification (germline): Likely benign (0 of 4 stars; one submission).

Conditions:
P4HA1-related disorder. Also called: P4HA1-related condition.

Allele frequency attached by ClinVar (database versions not stated): gnomAD exomes 0.00010; ExAC 0.00037; ESP Exome Variant Server 0.00062; gnomAD 0.00096; TOPMed 0.00102; 1000 Genomes Project 30x 0.00109; 1000 Genomes Project 0.00140.
gnomAD v4.1: 300 of 1,599,432 alleles (0.019%); highest among the groups gnomAD compares: African/African-American, 0.33%; no homozygotes.

Submission:

PreventionGenetics, part of Exact Sciences
Classification: Likely benign for P4HA1-related condition. Last evaluated: 2024-09-18. Review status: no assertion criteria provided. Collection method: clinical testing. Allele origin: germline.
Comment: This variant is classified as likely benign based on ACMG/AMP sequence variant interpretation guidelines (Richards et al. 2015 PMID: 25741868, with internal and published modifications).